The following is an entry in ClinVar:

ClinVar aggregate classification (germline): Likely pathogenic (1 of 4 stars; one submission).

Conditions:
Neuronal ceroid lipofuscinosis 2. Also called: TPP1-Related Neuronal Ceroid-Lipofuscinosis; JANSKY-BIELSCHOWSKY DISEASE NEURONAL CEROID LIPOFUSCINOSIS, LATE INFANTILE. Identifiers: Orphanet 168491, Orphanet 228349, Orphanet 79264, MedGen C1876161, MONDO:0008769, OMIM 204500.

Submission:

Natera, Inc.
Classification: Likely pathogenic for Neuronal ceroid lipofuscinosis 2. Last evaluated: 2025-01-30. Review status: criteria provided, single submitter. Criteria: Natera Variant Classification Schema (03/2026). Collection method: clinical testing. Allele origin: germline.
Comment: The c.1266+2T>A variant in TPP1 is a canonical splice donor site variant predicted to affect pre-mRNA splicing, which may result in an abnormal transcript and altered protein product. This variant is expected to result in nonsense mediated decay, truncation, or a dysfunctional protein product. This variant is rare in the general population with a frequency below the threshold expected for the associated phenotype(s). Given the available evidence, this variant is classified as Likely Pathogenic.

NM_000391.4(TPP1):c.1266+2T>A

Gene: TPP1 (tripeptidyl peptidase 1; minus strand). Cytogenetic location: 11p15.4.
Variant type: single nucleotide variant.
Coding change: c.1266+2T>A on transcript NM_000391.4 (MANE Select); the canonical splice donor site of the intron after coding-DNA position 1266, T replaced by A.
Molecular consequence: splice donor variant.
Genome position (GRCh38, 1-based): chr11:6,615,440, A>T on the plus strand (T>A on the coding strand, the complement: TPP1 is on the minus strand). VCF-style: chr11-6615440-A-T. GRCh37 (hg19) VCF-style: chr11-6636671-A-T.
Identifiers: ClinVar variation 4062367 (VCV004062367.2).